The following is an entry in ClinVar:

ClinVar aggregate classification (germline): Uncertain significance. Review status: criteria provided, multiple submitters, no conflicts (2 of 4 stars). 2 submissions from 2 submitters: Uncertain significance (2). Last evaluated 2024-05-09.

Allele frequency attached by ClinVar (database versions not stated): 1000 Genomes Project 30x 0.00016; 1000 Genomes Project 0.00020.
gnomAD v4.1: 57 of 1,614,198 alleles (0.0035%); highest among the groups gnomAD compares: African/African-American, 0.072%; no homozygotes.

Submissions (2):

GeneDx
Classification: Uncertain significance. Last evaluated: 2024-05-09. Review status: criteria provided, single submitter. Criteria: GeneDx Variant Classification Process June 2021. Collection method: clinical testing. Allele origin: germline. Affected: yes.
Comment: Identified in a patient from a control population and reported as a polymorphic sequence variant in published literature (PMID: 16297190); In silico analysis supports that this missense variant does not alter protein structure/function; This variant is associated with the following publications: (PMID: 16297190)

Labcorp Genetics (formerly Invitae), Labcorp
Classification: Uncertain significance. Last evaluated: 2022-04-26. Review status: criteria provided, single submitter. Criteria: Invitae Variant Classification Sherloc (09022015). Collection method: clinical testing. Allele origin: germline.
Comment: This sequence change replaces valine, which is neutral and non-polar, with leucine, which is neutral and non-polar, at codon 37 of the GJB3 protein (p.Val37Leu). This variant is present in population databases (rs148388884, gnomAD 0.07%). This missense change has been observed in individual(s) with erythrokeratoderma variabilis (PMID: 16297190). ClinVar contains an entry for this variant (Variation ID: 1254908). Algorithms developed to predict the effect of missense changes on protein structure and function are either unavailable or do not agree on the potential impact of this missense change (SIFT: "Deleterious"; PolyPhen-2: "Benign"; Align-GVGD: "Class C25"). In summary, the available evidence is currently insufficient to determine the role of this variant in disease. Therefore, it has been classified as a Variant of Uncertain Significance.

Literature cited by the submitters: PubMed 16297190 (cited by Labcorp Genetics (formerly Invitae), Labcorp).

NM_024009.3(GJB3):c.109G>C (p.Val37Leu)

Gene: GJB3 (gap junction protein beta 3; plus strand). Cytogenetic location: 1p34.3.
Variant type: single nucleotide variant.
Coding change: c.109G>C on transcript NM_024009.3 (MANE Select); coding-DNA position 109, G replaced by C.
Protein change: p.Val37Leu; replaces valine 37 with leucine.
Molecular consequence: missense variant.
Genome position (GRCh38, 1-based): chr1:34,784,871, G>C. VCF-style: chr1-34784871-G-C. GRCh37 (hg19) VCF-style: chr1-35250472-G-C.
Other names: c.109G>C, p.Val37Leu (NM_001005752.2); short protein forms V37L.
Identifiers: ClinVar variation 1254908 (VCV001254908.7), dbSNP rs148388884, ClinGen allele CA754748.